The following is an entry in ClinVar:

NM_001329943.3(KIAA0586):c.3331G>A (p.Val1111Ile)

Gene: KIAA0586 (KIAA0586; plus strand). Cytogenetic location: 14q23.1.
Variant type: single nucleotide variant.
Coding change: c.3331G>A on transcript NM_001329943.3 (MANE Select); coding-DNA position 3331, G replaced by A.
Protein change: p.Val1111Ile; replaces valine 1111 with isoleucine.
Molecular consequence: missense variant.
Genome position (GRCh38, 1-based): chr14:58,487,913, G>A. VCF-style: chr14-58487913-G-A. GRCh37 (hg19) VCF-style: chr14-58954631-G-A.
Other names: c.3490G>A, p.Val1164Ile (NM_001244189.2); c.3286G>A, p.Val1096Ile (NM_001244190.2); c.3076G>A, p.Val1026Ile (NM_001244191.2, NM_001329945.2, NM_001364700.1 and 1 more transcripts); c.3199G>A, p.Val1067Ile (NM_001244192.2); c.2911G>A, p.Val971Ile (NM_001244193.2); c.3331G>A, p.Val1111Ile (NM_001329944.2, NM_001329946.2, NM_001329947.2); c.3103G>A, p.Val1035Ile (NM_014749.5); short protein forms V1026I, V1035I, V1067I, V1096I, V1111I, V1164I, V971I.
Identifiers: ClinVar variation 3763734 (VCV003763734.2).

ClinVar aggregate classification (germline): Uncertain significance (1 of 4 stars; one submission).

Conditions:
Short-rib thoracic dysplasia 14 with polydactyly (SRTD14). Identifiers: Orphanet 397715, MedGen C4225286, MONDO:0014688, OMIM 616546.
Joubert syndrome 23 (JBTS23). Identifiers: Orphanet 475, MedGen C4084822, MONDO:0014664, OMIM 616490.

gnomAD v4.1: 4 of 1,612,776 alleles (0.00025%); highest among the groups gnomAD compares: East Asian, 0.0045%; no homozygotes.

Submission:

Labcorp Genetics (formerly Invitae), Labcorp
Classification: Uncertain significance for Joubert syndrome 23; Short-rib thoracic dysplasia 14 with polydactyly. Last evaluated: 2024-07-27. Review status: criteria provided, single submitter. Criteria: Invitae Variant Classification Sherloc (09022015). Collection method: clinical testing. Allele origin: germline.
Comment: This sequence change replaces valine, which is neutral and non-polar, with isoleucine, which is neutral and non-polar, at codon 1164 of the KIAA0586 protein (p.Val1164Ile). This variant is not present in population databases (gnomAD no frequency). This variant has not been reported in the literature in individuals affected with KIAA0586-related conditions. Advanced modeling of protein sequence and biophysical properties (such as structural, functional, and spatial information, amino acid conservation, physicochemical variation, residue mobility, and thermodynamic stability) performed at Invitae indicates that this missense variant is not expected to disrupt KIAA0586 protein function with a negative predictive value of 80%. In summary, the available evidence is currently insufficient to determine the role of this variant in disease. Therefore, it has been classified as a Variant of Uncertain Significance.